The following is an entry in ClinVar:

NM_001009999.3(KDM1A):c.2344C>T (p.Arg782Trp)

Gene: KDM1A (lysine demethylase 1A; plus strand). Cytogenetic location: 1p36.12.
Variant type: single nucleotide variant.
Coding change: c.2344C>T on transcript NM_001009999.3 (MANE Select); coding-DNA position 2344, C replaced by T.
Protein change: p.Arg782Trp; replaces arginine 782 with tryptophan.
Molecular consequence: missense variant.
Genome position (GRCh38, 1-based): chr1:23,082,265, C>T. VCF-style: chr1-23082265-C-T. GRCh37 (hg19) VCF-style: chr1-23408758-C-T.
Other names: c.2290C>T, p.Arg764Trp (NM_001363654.2); c.2350C>T, p.Arg784Trp (NM_001410762.1); c.2272C>T, p.Arg758Trp (NM_001410763.1, NM_015013.4); short protein forms R758W, R764W, R782W, R784W.
Identifiers: ClinVar variation 4858734 (VCV004858734.1).

ClinVar aggregate classification (germline): Uncertain significance (1 of 4 stars; one submission).

Conditions:
Inborn genetic diseases. Identifiers: MedGen C0950123, MeSH D030342.

gnomAD v4.1: 1 of 1,613,706 alleles (0.000062%); no homozygotes.

Submission:

Ambry Genetics
Classification: Uncertain significance for Inborn genetic diseases. Last evaluated: 2026-05-14. Review status: criteria provided, single submitter. Criteria: Ambry Variant Classification Scheme 2023. Collection method: clinical testing. Allele origin: germline.
Comment: The p.R782W variant (also known as c.2344C>T), located in coding exon 20 of the KDM1A gene, results from a C to T substitution at nucleotide position 2344. The arginine at codon 782 is replaced by tryptophan, an amino acid with dissimilar properties. This amino acid position is conserved. In addition, this alteration is predicted to be deleterious by in silico analysis. Based on the available evidence, the clinical significance of this variant remains unclear.